The following is an entry in ClinVar:

NM_001127222.2(CACNA1A):c.4470C>A (p.Tyr1490Ter)

Gene: CACNA1A (calcium voltage-gated channel subunit alpha1 A; minus strand). Cytogenetic location: 19p13.13.
Variant type: single nucleotide variant.
Coding change: c.4470C>A on transcript NM_001127222.2 (MANE Select); coding-DNA position 4470, C replaced by A.
Protein change: p.Tyr1490Ter; replaces tyrosine 1490 with a stop codon.
Molecular consequence: nonsense.
Genome position (GRCh38, 1-based): chr19:13,257,470, G>T on the plus strand (C>A on the coding strand, the complement: CACNA1A is on the minus strand). VCF-style: chr19-13257470-G-T. GRCh37 (hg19) VCF-style: chr19-13368284-G-T.
Other names: c.4482C>A, p.Tyr1494Ter (NM_000068.4, NM_023035.3); c.4473C>A, p.Tyr1491Ter (NM_001127221.2, NM_001174080.2); short protein forms Y1490*, Y1491*, Y1494*.
Identifiers: ClinVar variation 3061177 (VCV003061177.2), dbSNP rs1353710115, ClinGen allele CA404338993.

ClinVar aggregate classification (germline): Likely pathogenic (0 of 4 stars; one submission).

Conditions:
CACNA1A-related disorder. Also called: CACNA1A-related condition.

Submission:

PreventionGenetics, part of Exact Sciences
Classification: Likely pathogenic for CACNA1A-related condition. Last evaluated: 2024-02-26. Review status: no assertion criteria provided. Collection method: clinical testing. Allele origin: germline.
Comment: The CACNA1A c.4470C>A variant is predicted to result in premature protein termination (p.Tyr1490*). To our knowledge, this variant has not been reported in the literature or in a large population database, indicating this variant is rare. A downstream frameshift variant leading to protein truncation or nonsense mediated decay (p.Pro2052fs) has been reported in patients with episodic ataxia type 2 (Jen et al. 2004. PubMed ID: 14718690). Nonsense variants in CACNA1A are expected to be pathogenic. This variant is interpreted as likely pathogenic.